The following is an entry in ClinVar:

NM_000179.3(MSH6):c.3161_3163del (p.Ile1054_Ala1055delinsThr)

Gene: MSH6 (mutS homolog 6; plus strand). Cytogenetic location: 2p16.3.
Variant type: Deletion.
Coding change: c.3161_3163del on transcript NM_000179.3 (MANE Select); coding-DNA positions 3161 to 3163, 3 bases deleted (TCG; older notation c.3161_3163delTCG).
Protein change: p.Ile1054_Ala1055delinsThr.
Molecular consequence: inframe indel. On other transcripts: non-coding transcript variant (5), intron variant (2).
Genome position (GRCh38, 1-based): chr2:47,801,144-47,801,146, TCG deleted. VCF-style (leftmost placement, unchanged base first): chr2-47801143-ATCG-A. GRCh37 (hg19) VCF-style: chr2-48028282-ATCG-A.
Other names: c.2771_2773del, p.Ile924_Ala925delinsThr (NM_001281492.2); c.2255_2257del, p.Ile752_Ala753delinsThr (NM_001281493.2, NM_001281494.2, NM_001406811.1 and 6 more transcripts); c.3257_3259del, p.Ile1086_Ala1087delinsThr (NM_001406795.1, NM_001406802.1); c.3161_3163del, p.Ile1054_Ala1055delinsThr (NM_001406796.1, NM_001406798.1, NM_001406800.1 and 2 more transcripts); c.2864_2866del, p.Ile955_Ala956delinsThr (NM_001406797.1, NM_001406801.1, NM_001406805.1 and 10 more transcripts); c.2636_2638del, p.Ile879_Ala880delinsThr (NM_001406799.1, NM_001406806.1, NM_001406807.1); c.3083_3085del, p.Ile1028_Ala1029delinsThr (NM_001406804.1); c.3167_3169del, p.Ile1056_Ala1057delinsThr (NM_001406813.1); and 4 more.
Identifiers: ClinVar variation 2770927 (VCV002770927.3), dbSNP rs2530718063, ClinGen allele CA2697548147.
Genomic context (GRCh38, chr2:47,801,143, plus strand): 5'-CGGCGACTGTTCTATAACTTTGATAAAAATTACAAGGACTGGCAGTCTGCTGTAGAGTGT[ATCG>A]CAGTGTTGGGTAAGACTTTGAACAAGCTTGTTCTCAGGCTTTGATAAGTAGTGCTGTTTG-3'

ClinVar aggregate classification (germline): Uncertain significance (1 of 4 stars; one submission).

Conditions:
Hereditary nonpolyposis colorectal neoplasms. Identifiers: MedGen C0009405, MeSH D003123.

Submission:

Labcorp Genetics (formerly Invitae), Labcorp
Classification: Uncertain significance for Hereditary nonpolyposis colorectal neoplasms. Last evaluated: 2023-10-22. Review status: criteria provided, single submitter. Criteria: Invitae Variant Classification Sherloc (09022015). Collection method: clinical testing. Allele origin: germline.
Comment: This variant, c.3161_3163del, is a complex sequence change that results in the deletion of 2 and insertion of 1 amino acid(s) in the MSH6 protein (p.Ile1054_Ala1055delinsThr). This variant is not present in population databases (gnomAD no frequency). This variant has not been reported in the literature in individuals affected with MSH6-related conditions. Experimental studies and prediction algorithms are not available or were not evaluated, and the functional significance of this variant is currently unknown. In summary, the available evidence is currently insufficient to determine the role of this variant in disease. Therefore, it has been classified as a Variant of Uncertain Significance.